The following is an entry in ClinVar:

NM_001851.6(COL9A1):c.1817del (p.Pro606fs)

Gene: COL9A1 (collagen type IX alpha 1 chain; minus strand). Cytogenetic location: 6q13.
Variant type: Deletion.
Coding change: c.1817del on transcript NM_001851.6 (MANE Select); coding-DNA position 1817, one base deleted (C; older notation c.1817delC).
Protein change: p.Pro606fs; shifts the reading frame from proline 606.
Molecular consequence: frameshift variant. On other transcripts: non-coding transcript variant (1).
Genome position (GRCh38, 1-based): chr6:70,252,263, G deleted on the plus strand (C on the coding strand, the reverse complement: COL9A1 is on the minus strand); the first of 2 consecutive G bases (chr6:70,252,263-70,252,264); deleting either gives the same sequence. VCF-style (leftmost placement, unchanged base first): chr6-70252262-CG-C. GRCh37 (hg19) VCF-style: chr6-70961965-CG-C.
Other names: c.1118del, p.Pro373fs (NM_001377289.1); c.1088del, p.Pro363fs (NM_001377290.1, NM_078485.4); short protein forms P363fs, P373fs, P606fs.
Identifiers: ClinVar variation 1075583 (VCV001075583.7), dbSNP rs769918278, ClinGen allele CA3882003.

ClinVar aggregate classification (germline): Pathogenic (1 of 4 stars; one submission).

Submission:

Labcorp Genetics (formerly Invitae), Labcorp
Classification: Pathogenic. Last evaluated: 2025-11-01. Review status: criteria provided, single submitter. Criteria: Invitae Variant Classification Sherloc (09022015). Collection method: clinical testing. Allele origin: germline.
Comment: This sequence change creates a premature translational stop signal (p.Pro606Argfs*25) in the COL9A1 gene. It is expected to result in an absent or disrupted protein product. Loss-of-function variants in COL9A1 are known to be pathogenic (PMID: 16909383, 21421862). This variant is present in population databases (rs769918278, gnomAD 0.0009%). This variant has not been reported in the literature in individuals affected with COL9A1-related conditions. ClinVar contains an entry for this variant (Variation ID: 1075583). For these reasons, this variant has been classified as Pathogenic.

Literature cited by the submitters: PubMed 16909383; PubMed 21421862.